The following is an entry in ClinVar:

ClinVar aggregate classification (germline): Uncertain significance (1 of 4 stars; one submission).

Submission:

Women's Health and Genetics/Laboratory Corporation of America, LabCorp
Classification: Uncertain significance. Last evaluated: 2024-05-30. Review status: criteria provided, single submitter. Criteria: LabCorp Variant Classification Summary - May 2015. Collection method: clinical testing. Allele origin: germline.
Comment: Variant summary: CHD7 c.6347T>C (p.Ile2116Thr) results in a non-conservative amino acid change in the encoded protein sequence. Five of five in-silico tools predict a damaging effect of the variant on protein function. The variant was absent in 248900 control chromosomes. The available data on variant occurrences in the general population are insufficient to allow any conclusion about variant significance. To our knowledge, no occurrence of c.6347T>C in individuals affected with Hypogonadotropic Hypogonadism 5 With Or Without Anosmia and no experimental evidence demonstrating its impact on protein function have been reported. No submitters have cited clinical-significance assessments for this variant to ClinVar. Based on the evidence outlined above, the variant was classified as uncertain significance.

NM_017780.4(CHD7):c.6347T>C (p.Ile2116Thr)

Gene: CHD7 (chromodomain helicase DNA binding protein 7; plus strand). Cytogenetic location: 8q12.2.
Variant type: single nucleotide variant.
Coding change: c.6347T>C on transcript NM_017780.4 (MANE Select); coding-DNA position 6347, T replaced by C.
Protein change: p.Ile2116Thr; replaces isoleucine 2116 with threonine.
Molecular consequence: missense variant. On other transcripts: intron variant (1).
Genome position (GRCh38, 1-based): chr8:60,853,072, T>C. VCF-style: chr8-60853072-T-C. GRCh37 (hg19) VCF-style: chr8-61765631-T-C.
Other names: c.1717-9157T>C (NM_001316690.1); short protein forms I2116T.
Identifiers: ClinVar variation 3336525 (VCV003336525.1).